The following is an entry in ClinVar:

ClinVar aggregate classification (germline): Pathogenic (1 of 4 stars; one submission).

Conditions:
Familial temporal lobe epilepsy 7. Identifiers: Orphanet 101046, MedGen C4225327, MONDO:0014639, OMIM 616436.
Norman-Roberts syndrome (LIS2). Also called: Lissencephaly 2 (Norman-Roberts type). Identifiers: Orphanet 89844, MedGen C0796089, MONDO:0009760, OMIM 257320.

Submission:

Labcorp Genetics (formerly Invitae), Labcorp
Classification: Pathogenic for Familial temporal lobe epilepsy 7; Norman-Roberts syndrome. Last evaluated: 2025-12-01. Review status: criteria provided, single submitter. Criteria: Invitae Variant Classification Sherloc (09022015). Collection method: clinical testing. Allele origin: germline.
Comment: This sequence change creates a premature translational stop signal (p.Arg2560*) in the RELN gene. It is expected to result in an absent or disrupted protein product. Loss-of-function variants in RELN are known to be pathogenic (PMID: 10973257, 26046367, 28454995). This variant is not present in population databases (gnomAD no frequency). This variant has not been reported in the literature in individuals affected with RELN-related conditions. ClinVar contains an entry for this variant (Variation ID: 3756663). Algorithms developed to predict the effect of sequence changes on RNA splicing suggest that this variant may disrupt the consensus splice site. For these reasons, this variant has been classified as Pathogenic.

Literature cited by the submitters: PubMed 10973257; PubMed 26046367; PubMed 28454995.

NM_005045.4(RELN):c.7678C>T (p.Arg2560Ter)

Gene: RELN (reelin; minus strand). Cytogenetic location: 7q22.1.
Variant type: single nucleotide variant.
Coding change: c.7678C>T on transcript NM_005045.4 (MANE Select); coding-DNA position 7678, C replaced by T.
Protein change: p.Arg2560Ter; replaces arginine 2560 with a stop codon.
Molecular consequence: nonsense.
Genome position (GRCh38, 1-based): chr7:103,519,507, G>A on the plus strand (C>T on the coding strand, the complement: RELN is on the minus strand). VCF-style: chr7-103519507-G-A. GRCh37 (hg19) VCF-style: chr7-103159954-G-A.
Other names: c.7678C>T, p.Arg2560Ter (NM_173054.3); short protein forms R2560*.
Identifiers: ClinVar variation 3756663 (VCV003756663.2).